The following is an entry in ClinVar:

NM_001379500.1(COL18A1):c.3443C>A (p.Pro1148Gln)

Genes: COL18A1 (collagen type XVIII alpha 1 chain; plus strand), SLC19A1 (solute carrier family 19 member 1; minus strand). Cytogenetic location: 21q22.3.
Variant type: single nucleotide variant.
Coding change: c.3443C>A on transcript NM_001379500.1 (MANE Select); coding-DNA position 3443, C replaced by A.
Protein change: p.Pro1148Gln; replaces proline 1148 with glutamine.
Molecular consequence: missense variant.
Genome position (GRCh38, 1-based): chr21:45,509,549, C>A. VCF-style: chr21-45509549-C-A. GRCh37 (hg19) VCF-style: chr21-46929463-C-A.
Other names: c.3974C>A, p.Pro1325Gln (NM_030582.4); c.4679C>A, p.Pro1560Gln (NM_130444.3); short protein forms P1148Q, P1325Q, P1560Q.
Identifiers: ClinVar variation 1492822 (VCV001492822.6), dbSNP rs1426639801, ClinGen allele CA410501104.

ClinVar aggregate classification (germline): Uncertain significance (1 of 4 stars; one submission).

gnomAD v4.1: 1 of 1,536,362 alleles (0.000065%); highest among the groups gnomAD compares: South Asian, 0.0012%; no homozygotes.

Submission:

Labcorp Genetics (formerly Invitae), Labcorp
Classification: Uncertain significance. Last evaluated: 2021-08-11. Review status: criteria provided, single submitter. Criteria: Invitae Variant Classification Sherloc (09022015). Collection method: clinical testing. Allele origin: germline.
Comment: Experimental studies and prediction algorithms are not available or were not evaluated, and the functional significance of this variant is currently unknown. This variant has not been reported in the literature in individuals affected with COL18A1-related conditions. The frequency data for this variant in the population databases is considered unreliable, as metrics indicate insufficient coverage at this position in the ExAC database. This sequence change replaces proline with glutamine at codon 1145 of the COL18A1 protein (p.Pro1145Gln). The proline residue is weakly conserved between proline and glutamine. In summary, the available evidence is currently insufficient to determine the role of this variant in disease. Therefore, it has been classified as a Variant of Uncertain Significance.